The following is an entry in ClinVar:

ClinVar aggregate classification (germline): Likely benign. Review status: criteria provided, multiple submitters, no conflicts (2 of 4 stars). 2 submissions from 2 submitters: Likely benign (2). Last evaluated 2023-11-01.

Conditions:
Hereditary cancer-predisposing syndrome. Also called: Neoplastic Syndromes, Hereditary; Tumor predisposition; Hereditary Cancer Syndrome; Hereditary neoplastic syndrome. Identifiers: Orphanet 140162, MedGen C0027672, MeSH D009386, MONDO:0015356.

Submissions (2):

CeGaT Center for Human Genetics Tuebingen
Classification: Likely benign. Last evaluated: 2023-11-01. Review status: criteria provided, single submitter. Criteria: CeGaT Center For Human Genetics Tuebingen Variant Classification Criteria Version 2. Collection method: clinical testing. Allele origin: germline. Affected: yes. Observed: 1 variant allele.
Comment: TSC2: PM2:Supporting, BP4, BP7

Ambry Genetics
Classification: Likely benign for Hereditary cancer-predisposing syndrome. Last evaluated: 2023-04-18. Review status: criteria provided, single submitter. Criteria: Ambry Variant Classification Scheme 2023. Collection method: clinical testing. Allele origin: germline.

NM_000548.5(TSC2):c.345T>G (p.Arg115=)

Gene: TSC2 (TSC complex subunit 2; plus strand). Cytogenetic location: 16p13.3.
Variant type: single nucleotide variant.
Coding change: c.345T>G on transcript NM_000548.5 (MANE Select); coding-DNA position 345, T replaced by G.
Protein change: p.Arg115=; no amino-acid change (arginine 115 retained).
Molecular consequence: synonymous variant. On other transcripts: 5 prime UTR variant (14), non-coding transcript variant (5), intron variant (6).
Genome position (GRCh38, 1-based): chr16:2,054,304, T>G. VCF-style: chr16-2054304-T-G. GRCh37 (hg19) VCF-style: chr16-2104305-T-G.
Other names: c.345T>G, p.Arg115= (NM_001077183.3, NM_001114382.3, NM_001363528.2 and 8 more transcripts); c.234T>G, p.Arg78= (NM_001318827.2, NM_001406670.1, NM_001406678.1); c.198T>G, p.Arg66= (NM_001318829.2, NM_001406675.1, NM_001406676.1 and 1 more transcripts); c.378T>G, p.Arg126= (NM_001318832.2); c.435T>G, p.Arg145= (NM_001406667.1, NM_001406668.1); c.288T>G, p.Arg96= (NM_001406677.1); c.-472T>G (NM_001406680.1, NM_001406683.1, NM_001406687.1); c.-101T>G (NM_001406681.1); and 6 more.
Identifiers: ClinVar variation 2564658 (VCV002564658.25), dbSNP rs2548412985, ClinGen allele CA492955339.
Genomic context (GRCh38, chr16:2,054,304, plus strand): 5'-CCGTGTGGGCGACGCTGGCAGGCTCTGCTGATCCTGTGGCTTTTGTCTTTAGGGCGAGCG[T>G]TTGGGGGTCCTCAGAGCCCTCTTCTTTAAGGTCATCAAGGATTACCCTTCCAACGAAGAC-3'
Protein context (NP_000539.2, residues 105-125): LKAIVQGQGE[Arg115=]LGVLRALFFK